The following is an entry in ClinVar:

ClinVar aggregate classification (germline): Uncertain significance (0 of 4 stars; one submission).

Conditions:
GDF1-related disorder. Also called: GDF1-related condition.

gnomAD v4.1: 1 of 1,573,078 alleles (0.000064%); highest among the groups gnomAD compares: Non-Finnish European, 0.000086%; no homozygotes.

Submission:

PreventionGenetics, part of Exact Sciences
Classification: Uncertain significance for GDF1-related condition. Last evaluated: 2024-06-21. Review status: no assertion criteria provided. Collection method: clinical testing. Allele origin: germline.
Comment: The GDF1 c.1087G>C variant is predicted to result in the amino acid substitution p.Asp363His. To our knowledge, this variant has not been reported in the literature or in a large population database, indicating this variant is rare. At this time, the clinical significance of this variant is uncertain due to the absence of conclusive functional and genetic evidence.

NM_001492.6(GDF1):c.1087G>C (p.Asp363His)

Genes: CERS1 (ceramide synthase 1; minus strand), GDF1 (growth differentiation factor 1; minus strand). Cytogenetic location: 19p13.11.
Variant type: single nucleotide variant.
Coding change: c.1087G>C on transcript NM_001492.6 (MANE Select); coding-DNA position 1087, G replaced by C.
Protein change: p.Asp363His; replaces aspartic acid 363 with histidine.
Molecular consequence: missense variant. On other transcripts: 3 prime UTR variant (2).
Genome position (GRCh38, 1-based): chr19:18,868,629, C>G on the plus strand (G>C on the coding strand, the complement: GDF1 is on the minus strand). VCF-style: chr19-18868629-C-G. GRCh37 (hg19) VCF-style: chr19-18979438-C-G.
Other names: c.*1948G>C (NM_001387440.1); c.*1356G>C (NM_021267.5); c.1087G>C, p.Asp363His (NM_001387438.1); short protein forms D363H.
Identifiers: ClinVar variation 3353344 (VCV003353344.1).